The following is an entry in ClinVar:

NM_001370100.5(ZMYND11):c.1363A>G (p.Thr455Ala)

Genes: ZMYND11 (zinc finger MYND-type containing 11; plus strand), LOC126860802 (BRD4-independent group 4 enhancer GRCh37_chr10:294268-295467; plus strand). Cytogenetic location: 10p15.3.
Variant type: single nucleotide variant.
Coding change: c.1363A>G on transcript NM_001370100.5 (MANE Select); coding-DNA position 1363, A replaced by G.
Protein change: p.Thr455Ala; replaces threonine 455 with alanine.
Molecular consequence: missense variant. On other transcripts: non-coding transcript variant (1).
Genome position (GRCh38, 1-based): chr10:248,471, A>G. VCF-style: chr10-248471-A-G. GRCh37 (hg19) VCF-style: chr10-294411-A-G.
Other names: c.1201A>G, p.Thr401Ala (NM_001202464.3, NM_001202467.1, NM_001370103.2 and 6 more transcripts); c.1108A>G, p.Thr370Ala (NM_001202465.3, NM_001370110.2); c.1198A>G, p.Thr400Ala (NM_001202466.3, NM_001370111.2); c.1363A>G, p.Thr455Ala (NM_001202468.1, NM_001370097.3, NM_001370098.2 and 4 more transcripts); c.1312A>G, p.Thr438Ala (NM_001330057.3, NM_001370112.2); c.1270A>G, p.Thr424Ala (NM_001370113.2, NM_001370114.2); c.1360A>G, p.Thr454Ala (NM_001370115.2, NM_212479.4); c.1297A>G, p.Thr433Ala (NM_001370116.2); and 8 more; short protein forms T455A, T379A, T454A, T353A, T424A, T298A, T361A, T401A.
Identifiers: ClinVar variation 431885 (VCV000431885.3), dbSNP rs1554793377, ClinGen allele CA375822496.

ClinVar aggregate classification (germline): Uncertain significance (1 of 4 stars; one submission).

Allele frequency attached by ClinVar (database versions not stated): gnomAD exomes below 0.00001; TOPMed below 0.00001; gnomAD 0.00001.
gnomAD v4.1: 2 of 1,614,218 alleles (0.00012%); highest among the groups gnomAD compares: African/African-American, 0.0013%; no homozygotes.

Submission:

GeneDx
Classification: Uncertain significance. Last evaluated: 2022-12-28. Review status: criteria provided, single submitter. Criteria: GeneDx Variant Classification Process June 2021. Collection method: clinical testing. Allele origin: germline. Affected: yes.
Comment: Not observed at significant frequency in large population cohorts (gnomAD); In silico analysis supports that this missense variant does not alter protein structure/function; Has not been previously published as pathogenic or benign to our knowledge